The following is an entry in ClinVar:

ClinVar aggregate classification (germline): Uncertain significance. Review status: criteria provided, multiple submitters, no conflicts (2 of 4 stars). 5 submissions from 5 submitters: Uncertain significance (3). 2 of the submissions do not count toward it. Last evaluated 2024-11-05.

Conditions:
RPE65-related disorder. Also called: RPE65-related disorders; RPE65-related condition. Identifiers: MedGen CN239301.
Inborn genetic diseases. Identifiers: MedGen C0950123, MeSH D030342.
Leber congenital amaurosis 2 (LCA2). Also called: Autosomal Recessive RPE65-Related Retinal Degeneration; AMAUROSIS CONGENITA OF LEBER II. Identifiers: Orphanet 65, MedGen C1859844, MONDO:0008765, OMIM 204100. Disease mechanism: loss of function.
Retinitis pigmentosa 20 (RP20). Identifiers: Orphanet 791, MedGen C3151086, MONDO:0013425, OMIM 613794.
Leber congenital amaurosis (LCA). Also called: Leber's amaurosis. Identifiers: Orphanet 65, MedGen C0339527, MeSH D057130, MONDO:0018998.

Allele frequency attached by ClinVar (database versions not stated): gnomAD 0.00001; gnomAD exomes 0.00005 and 0.00010; ExAC 0.00007; TOPMed 0.00009.
gnomAD v4.1: 31 of 1,613,722 alleles (0.0019%); highest among the groups gnomAD compares: Admixed American, 0.052%; no homozygotes.

Submissions (5):

Labcorp Genetics (formerly Invitae), Labcorp
Classification: Uncertain significance for Leber congenital amaurosis 2; Retinitis pigmentosa 20. Last evaluated: 2024-11-05. Review status: criteria provided, single submitter. Criteria: Invitae Variant Classification Sherloc (09022015). Collection method: clinical testing. Allele origin: germline.
Comment: This sequence change replaces alanine, which is neutral and non-polar, with serine, which is neutral and polar, at codon 507 of the RPE65 protein (p.Ala507Ser). This variant is present in population databases (rs767931252, gnomAD 0.07%). This variant has not been reported in the literature in individuals affected with RPE65-related conditions. ClinVar contains an entry for this variant (Variation ID: 845835). Invitae Evidence Modeling of protein sequence and biophysical properties (such as structural, functional, and spatial information, amino acid conservation, physicochemical variation, residue mobility, and thermodynamic stability) indicates that this missense variant is not expected to disrupt RPE65 protein function with a negative predictive value of 80%. In summary, the available evidence is currently insufficient to determine the role of this variant in disease. Therefore, it has been classified as a Variant of Uncertain Significance.

Ambry Genetics
Classification: Uncertain significance for Inborn genetic diseases. Last evaluated: 2024-08-15. Review status: criteria provided, single submitter. Criteria: Ambry Variant Classification Scheme 2023. Collection method: clinical testing. Allele origin: germline.

Blueprint Genetics
Classification: Uncertain significance. Last evaluated: 2022-11-10. Review status: criteria provided, single submitter. Criteria: ACMG Guidelines, 2015. Collection method: clinical testing. Allele origin: germline.

PreventionGenetics, part of Exact Sciences
Classification: Uncertain significance for RPE65-related condition. Last evaluated: 2024-09-05. Review status: no assertion criteria provided. Collection method: clinical testing. Allele origin: germline. Not counted in ClinVar's aggregate classification.
Comment: The RPE65 c.1519G>T variant is predicted to result in the amino acid substitution p.Ala507Ser. To our knowledge, this variant has not been reported in the literature. This variant is reported in 0.076% of alleles in individuals of Latino descent in gnomAD. Although we suspect that this variant may be benign, at this time, the clinical significance of this variant is uncertain due to the absence of conclusive functional and genetic evidence.

Natera, Inc.
Classification: Uncertain significance for Leber congenital amaurosis. Last evaluated: 2019-12-25. Review status: no assertion criteria provided. Collection method: clinical testing. Allele origin: germline. Not counted in ClinVar's aggregate classification.

NM_000329.3(RPE65):c.1519G>T (p.Ala507Ser)

Gene: RPE65 (retinoid isomerohydrolase RPE65; minus strand). Cytogenetic location: 1p31.3.
Variant type: single nucleotide variant.
Coding change: c.1519G>T on transcript NM_000329.3 (MANE Select); coding-DNA position 1519, G replaced by T.
Protein change: p.Ala507Ser; replaces alanine 507 with serine.
Molecular consequence: missense variant.
Genome position (GRCh38, 1-based): chr1:68,429,859, C>A on the plus strand (G>T on the coding strand, the complement: RPE65 is on the minus strand). VCF-style: chr1-68429859-C-A. GRCh37 (hg19) VCF-style: chr1-68895542-C-A.
Other names: short protein forms A507S.
Identifiers: ClinVar variation 845835 (VCV000845835.8), dbSNP rs767931252, ClinGen allele CA902138.
Genomic context (GRCh38, chr1:68,429,859, plus strand): 5'-GAAAGGTGACAGGGATGTTAATCTCCACTTCAGCCCGGGCAACTTCACTTAAGTCCTTGG[C>A]ATTCAGAATCAGGAGATAAGCAGGCTTTTGTCCTGCTCCTGGGCTCACCACCACACTCAG-3'
Protein context (NP_000320.1, residues 497-517): QKPAYLLILN[Ala507Ser]KDLSEVARAE